The following is an entry in ClinVar:

ClinVar aggregate classification (germline): Uncertain significance (1 of 4 stars; one submission).

gnomAD v4.1: 2 of 1,614,168 alleles (0.00012%); highest among the groups gnomAD compares: Non-Finnish European, 0.00017%; no homozygotes.

Submission:

Labcorp Genetics (formerly Invitae), Labcorp
Classification: Uncertain significance. Last evaluated: 2022-08-03. Review status: criteria provided, single submitter. Criteria: Invitae Variant Classification Sherloc (09022015). Collection method: clinical testing. Allele origin: germline.
Comment: This sequence change replaces valine, which is neutral and non-polar, with leucine, which is neutral and non-polar, at codon 142 of the MYO5B protein (p.Val142Leu). This variant is not present in population databases (gnomAD no frequency). This variant has not been reported in the literature in individuals affected with MYO5B-related conditions. Algorithms developed to predict the effect of missense changes on protein structure and function are either unavailable or do not agree on the potential impact of this missense change (SIFT: "Deleterious"; PolyPhen-2: "Probably Damaging"; Align-GVGD: "Class C0"). In summary, the available evidence is currently insufficient to determine the role of this variant in disease. Therefore, it has been classified as a Variant of Uncertain Significance.

NM_001080467.3(MYO5B):c.424G>C (p.Val142Leu)

Gene: MYO5B (myosin VB; minus strand). Cytogenetic location: 18q21.1.
Variant type: single nucleotide variant.
Coding change: c.424G>C on transcript NM_001080467.3 (MANE Select); coding-DNA position 424, G replaced by C.
Protein change: p.Val142Leu; replaces valine 142 with leucine.
Molecular consequence: missense variant.
Genome position (GRCh38, 1-based): chr18:50,036,881, C>G on the plus strand (G>C on the coding strand, the complement: MYO5B is on the minus strand). VCF-style: chr18-50036881-C-G. GRCh37 (hg19) VCF-style: chr18-47563251-C-G.
Other names: short protein forms V142L.
Identifiers: ClinVar variation 1937204 (VCV001937204.5), dbSNP rs2511262984, ClinGen allele CA402509911.
Genomic context (GRCh38, chr18:50,036,881, plus strand): 5'-GAGGACTTCTGGGCTGAGGACATTCTCACCTGGCCATCTGCTTGTAGGCTTCTTCTGCCA[C>G]AGCAAAGATGTGGGGGTCCATGTCTCCCATGTTTTGGCCACTGTAGGTATAGATGACATC-3'
Protein context (NP_001073936.1, residues 132-152): MGDMDPHIFA[Val142Leu]AEEAYKQMAR